The following is an entry in ClinVar:

NM_006231.4(POLE):c.5054G>C (p.Trp1685Ser)

Gene: POLE (DNA polymerase epsilon, catalytic subunit; minus strand). Cytogenetic location: 12q24.33.
Variant type: single nucleotide variant.
Coding change: c.5054G>C on transcript NM_006231.4 (MANE Select); coding-DNA position 5054, G replaced by C.
Protein change: p.Trp1685Ser; replaces tryptophan 1685 with serine.
Molecular consequence: missense variant.
Genome position (GRCh38, 1-based): chr12:132,642,296, C>G on the plus strand (G>C on the coding strand, the complement: POLE is on the minus strand). VCF-style: chr12-132642296-C-G. GRCh37 (hg19) VCF-style: chr12-133218882-C-G.
Other names: c.5054G>C (NM_006231.2); short protein forms W1685S.
Identifiers: ClinVar variation 1379537 (VCV001379537.6), dbSNP rs1168249844, ClinGen allele CA387377129.

ClinVar aggregate classification (germline): Uncertain significance. Review status: criteria provided, multiple submitters, no conflicts (2 of 4 stars). 2 submissions from 2 submitters: Uncertain significance (2). Last evaluated 2026-05-15.

Conditions:
Hereditary cancer-predisposing syndrome. Also called: Neoplastic Syndromes, Hereditary; Tumor predisposition; Hereditary Cancer Syndrome; Hereditary neoplastic syndrome. Identifiers: Orphanet 140162, MedGen C0027672, MeSH D009386, MONDO:0015356.

Allele frequency attached by ClinVar (database versions not stated): gnomAD 0.00001; gnomAD exomes below 0.00001; TOPMed below 0.00001.
gnomAD v4.1: 2 of 1,605,992 alleles (0.00012%); highest among the groups gnomAD compares: Admixed American, 0.0034%; no homozygotes.

Submissions (2):

Ambry Genetics
Classification: Uncertain significance for Hereditary cancer-predisposing syndrome. Last evaluated: 2026-05-15. Review status: criteria provided, single submitter. Criteria: Ambry Variant Classification Scheme 2023. Collection method: clinical testing. Allele origin: germline.
Comment: The p.W1685S variant (also known as c.5054G>C), located in coding exon 38 of the POLE gene, results from a G to C substitution at nucleotide position 5054. The tryptophan at codon 1685 is replaced by serine, an amino acid with highly dissimilar properties. This amino acid position is highly conserved in available vertebrate species. In addition, this alteration is predicted to be deleterious by in silico analysis. Based on the available evidence, the clinical significance of this variant remains unclear.

Labcorp Genetics (formerly Invitae), Labcorp
Classification: Uncertain significance. Last evaluated: 2025-04-02. Review status: criteria provided, single submitter. Criteria: Invitae Variant Classification Sherloc (09022015). Collection method: clinical testing. Allele origin: germline.
Comment: This sequence change replaces tryptophan, which is neutral and slightly polar, with serine, which is neutral and polar, at codon 1685 of the POLE protein (p.Trp1685Ser). The frequency data for this variant in the population databases is considered unreliable, as metrics indicate poor data quality at this position in the gnomAD database. This variant has not been reported in the literature in individuals affected with POLE-related conditions. ClinVar contains an entry for this variant (Variation ID: 1379537). Invitae Evidence Modeling of protein sequence and biophysical properties (such as structural, functional, and spatial information, amino acid conservation, physicochemical variation, residue mobility, and thermodynamic stability) indicates that this missense variant is expected to disrupt POLE protein function with a positive predictive value of 80%. In summary, the available evidence is currently insufficient to determine the role of this variant in disease. Therefore, it has been classified as a Variant of Uncertain Significance.